The following is an entry in ClinVar:

ClinVar aggregate classification (germline): Likely benign. Review status: criteria provided, multiple submitters, no conflicts (2 of 4 stars). 2 submissions from 2 submitters: Likely benign (2). Last evaluated 2025-12-09.

Conditions:
VPS13B-related disorder. Also called: VPS13B-related condition.
Cohen syndrome (COH1). Also called: PEPPER SYNDROME; Cutis verticis gyrata, retinitis pigmentosa, and sensorineural deafness. Identifiers: Orphanet 193, MedGen C0265223, MONDO:0008999, OMIM 216550.

Allele frequency attached by ClinVar (database versions not stated): gnomAD exomes below 0.00001.
gnomAD v4.1: 1 of 1,614,192 alleles (0.000062%); highest among the groups gnomAD compares: South Asian, 0.0011%; no homozygotes.

Submissions (2):

PreventionGenetics, part of Exact Sciences
Classification: Likely benign for VPS13B-related condition. Last evaluated: 2025-12-09. Review status: criteria provided, single submitter. Criteria: ACMG Guidelines, 2015. Collection method: clinical testing. Allele origin: germline.
Comment: This variant is classified as likely benign based on ACMG/AMP sequence variant interpretation guidelines (Richards et al. 2015 PMID: 25741868, with internal and published modifications).

Labcorp Genetics (formerly Invitae), Labcorp
Classification: Likely benign for Cohen syndrome. Last evaluated: 2025-10-01. Review status: criteria provided, single submitter. Criteria: Invitae Variant Classification Sherloc (09022015). Collection method: clinical testing. Allele origin: germline.

NM_152564.5(VPS13B):c.9765T>C (p.Tyr3255=)

Gene: VPS13B (vacuolar protein sorting 13 homolog B; plus strand). Cytogenetic location: 8q22.2.
Variant type: single nucleotide variant.
Coding change: c.9765T>C on transcript NM_152564.5 (MANE Select); coding-DNA position 9765, T replaced by C.
Protein change: p.Tyr3255=; no amino-acid change (tyrosine 3255 retained).
Molecular consequence: synonymous variant.
Genome position (GRCh38, 1-based): chr8:99,835,561, T>C. VCF-style: chr8-99835561-T-C. GRCh37 (hg19) VCF-style: chr8-100847789-T-C.
Other names: c.9765T>C (NM_152564.4); c.9840T>C, p.Tyr3280= (NM_017890.5).
Identifiers: ClinVar variation 1666555 (VCV001666555.9), dbSNP rs1203586505, ClinGen allele CA462340713.